The following is an entry in ClinVar:

NM_001063.4(TF):c.1836G>A (p.Lys612=)

Gene: TF (transferrin; plus strand). Cytogenetic location: 3q22.1.
Variant type: single nucleotide variant.
Coding change: c.1836G>A on transcript NM_001063.4 (MANE Select); coding-DNA position 1836, G replaced by A.
Protein change: p.Lys612=; no amino-acid change (lysine 612 retained).
Molecular consequence: synonymous variant.
Genome position (GRCh38, 1-based): chr3:133,775,581, G>A. VCF-style: chr3-133775581-G-A. GRCh37 (hg19) VCF-style: chr3-133494425-G-A.
Other names: c.1704G>A, p.Lys568= (NM_001354703.2); c.1455G>A, p.Lys485= (NM_001354704.2).
Identifiers: ClinVar variation 2654161 (VCV002654161.24), dbSNP rs2530640288, ClinGen allele CA435815875.

ClinVar aggregate classification (germline): Likely benign (1 of 4 stars; one submission).

Submission:

CeGaT Center for Human Genetics Tuebingen
Classification: Likely benign. Last evaluated: 2022-08-01. Review status: criteria provided, single submitter. Criteria: CeGaT Center For Human Genetics Tuebingen Variant Classification Criteria Version 2. Collection method: clinical testing. Allele origin: germline. Affected: yes. Observed: 1 variant allele.
Comment: TF: PM2:Supporting, BP4, BP7